The following is an entry in ClinVar:

ClinVar aggregate classification (germline): Uncertain significance (1 of 4 stars; one submission).

Conditions:
Neurodevelopmental disorder with or without early-onset generalized epilepsy. Identifiers: MedGen C5436914, MONDO:0030930, OMIM 619157.

Submission:

3billion
Classification: Uncertain significance for Neurodevelopmental disorder with or without early-onset generalized epilepsy. Last evaluated: 2022-09-01. Review status: criteria provided, single submitter. Criteria: ACMG Guidelines, 2015. Collection method: clinical testing. Allele origin: germline. Affected: yes. Observed: 1 heterozygote.
Comment: The variant is not observed in the gnomAD v2.1.1 dataset. Missense changes are a common disease-causing mechanism. Therefore, this variant is classified as uncertain significance according to the recommendation of ACMG/AMP guideline.

NM_001385012.1(NBEA):c.8467G>A (p.Gly2823Ser)

Gene: NBEA (neurobeachin; plus strand). Cytogenetic location: 13q13.3.
Variant type: single nucleotide variant.
Coding change: c.8467G>A on transcript NM_001385012.1 (MANE Select); coding-DNA position 8467, G replaced by A.
Protein change: p.Gly2823Ser; replaces glycine 2823 with serine.
Molecular consequence: missense variant.
Genome position (GRCh38, 1-based): chr13:35,667,376, G>A. VCF-style: chr13-35667376-G-A. GRCh37 (hg19) VCF-style: chr13-36241513-G-A.
Other names: c.1783G>A, p.Gly595Ser (NM_001204197.3); c.8458G>A, p.Gly2820Ser (NM_001379245.1); c.8404G>A, p.Gly2802Ser (NM_015678.5); short protein forms G2802S, G2820S, G2823S, G595S.
Identifiers: ClinVar variation 1705514 (VCV001705514.1), dbSNP rs2550044213, ClinGen allele CA387842532.